The following is an entry in ClinVar:

NM_002485.5(NBN):c.26G>A (p.Gly9Asp)

Gene: NBN (nibrin; minus strand). Cytogenetic location: 8q21.3.
Variant type: single nucleotide variant.
Coding change: c.26G>A on transcript NM_002485.5 (MANE Select); coding-DNA position 26, G replaced by A.
Protein change: p.Gly9Asp; replaces glycine 9 with aspartic acid.
Molecular consequence: missense variant. On other transcripts: 5 prime UTR variant (1).
Genome position (GRCh38, 1-based): chr8:89,984,536, C>T on the plus strand (G>A on the coding strand, the complement: NBN is on the minus strand). VCF-style: chr8-89984536-C-T. GRCh37 (hg19) VCF-style: chr8-90996764-C-T.
Other names: c.-271G>A (NM_001024688.3); short protein forms G9D.
Identifiers: ClinVar variation 3009172 (VCV003009172.5), dbSNP rs1554569664, ClinGen allele CA371664158.

ClinVar aggregate classification (germline): Uncertain significance. Review status: criteria provided, multiple submitters, no conflicts (2 of 4 stars). 3 submissions from 3 submitters: Uncertain significance (3). Last evaluated 2025-09-04.

Conditions:
Microcephaly, normal intelligence and immunodeficiency (NBS). Also called: Ataxia telangiectasia variant V1; IMMUNODEFICIENCY, MICROCEPHALY, AND CHROMOSOMAL INSTABILITY; Nijmegen breakage syndrome; Microcephaly with normal intelligence immunodeficiency and lymphoreticular malignancies; Nonsyndromal microcephaly autosomal recessive with normal intelligence; Seemanova syndrome 2. Identifiers: Orphanet 647, MedGen C0398791, MONDO:0009623, OMIM 251260.
Hereditary cancer-predisposing syndrome. Also called: Hereditary neoplastic syndrome; Hereditary Cancer Syndrome; Neoplastic Syndromes, Hereditary; Tumor predisposition. Identifiers: Orphanet 140162, MedGen C0027672, MeSH D009386, MONDO:0015356.

Submissions (3):

Ambry Genetics
Classification: Uncertain significance for Hereditary cancer-predisposing syndrome. Last evaluated: 2025-09-04. Review status: criteria provided, single submitter. Criteria: Ambry Variant Classification Scheme 2023. Collection method: clinical testing. Allele origin: germline.
Comment: The p.G9D variant (also known as c.26G>A), located in coding exon 1 of the NBN gene, results from a G to A substitution at nucleotide position 26. The glycine at codon 9 is replaced by aspartic acid, an amino acid with similar properties. This amino acid position is conserved. In addition, this alteration is predicted to be tolerated by in silico analysis. Based on the available evidence, the clinical significance of this variant remains unclear.

GeneDx
Classification: Uncertain significance. Last evaluated: 2024-05-17. Review status: criteria provided, single submitter. Criteria: GeneDx Variant Classification Process June 2021. Collection method: clinical testing. Allele origin: germline. Affected: yes.
Comment: Not observed at significant frequency in large population cohorts (gnomAD); In silico analysis indicates that this missense variant does not alter protein structure/function; Has not been previously published as pathogenic or benign to our knowledge; This variant is associated with the following publications: (PMID: 24894818)

Labcorp Genetics (formerly Invitae), Labcorp
Classification: Uncertain significance for Microcephaly, normal intelligence and immunodeficiency. Last evaluated: 2023-09-14. Review status: criteria provided, single submitter. Criteria: Invitae Variant Classification Sherloc (09022015). Collection method: clinical testing. Allele origin: germline.
Comment: In summary, the available evidence is currently insufficient to determine the role of this variant in disease. Therefore, it has been classified as a Variant of Uncertain Significance. An algorithm developed to predict the effect of missense changes on protein structure and function (PolyPhen-2) suggests that this variant is likely to be tolerated. This variant has not been reported in the literature in individuals affected with NBN-related conditions. This variant is not present in population databases (gnomAD no frequency). This sequence change replaces glycine, which is neutral and non-polar, with aspartic acid, which is acidic and polar, at codon 9 of the NBN protein (p.Gly9Asp).